The following is an entry in ClinVar:

ClinVar aggregate classification (germline): Uncertain significance (1 of 4 stars; one submission).

Conditions:
Ullrich congenital muscular dystrophy 2 (UCMD2). Identifiers: Orphanet 75840, MedGen C4225314, MONDO:0014654, OMIM 616470.
Bethlem myopathy 2 (BTHLM2). Identifiers: Orphanet 536516, Orphanet 610, MedGen C4225313, MONDO:0034022, OMIM 616471.

Submission:

Labcorp Genetics (formerly Invitae), Labcorp
Classification: Uncertain significance for Bethlem myopathy 2; Ullrich congenital muscular dystrophy 2. Last evaluated: 2022-01-03. Review status: criteria provided, single submitter. Criteria: Invitae Variant Classification Sherloc (09022015). Collection method: clinical testing. Allele origin: germline.
Comment: Algorithms developed to predict the effect of missense changes on protein structure and function output the following: SIFT: "Tolerated"; PolyPhen-2: "Benign"; Align-GVGD: "Class C0". The valine amino acid residue is found in multiple mammalian species, which suggests that this missense change does not adversely affect protein function. In summary, the available evidence is currently insufficient to determine the role of this variant in disease. Therefore, it has been classified as a Variant of Uncertain Significance. This variant is not present in population databases (gnomAD no frequency). This variant has not been reported in the literature in individuals affected with COL12A1-related conditions. This sequence change replaces isoleucine, which is neutral and non-polar, with valine, which is neutral and non-polar, at codon 2670 of the COL12A1 protein (p.Ile2670Val).

NM_004370.6(COL12A1):c.8008A>G (p.Ile2670Val)

Gene: COL12A1 (collagen type XII alpha 1 chain; minus strand). Cytogenetic location: 6q13.
Variant type: single nucleotide variant.
Coding change: c.8008A>G on transcript NM_004370.6 (MANE Select); coding-DNA position 8008, A replaced by G.
Protein change: p.Ile2670Val; replaces isoleucine 2670 with valine.
Molecular consequence: missense variant.
Genome position (GRCh38, 1-based): chr6:75,109,110, T>C on the plus strand (A>G on the coding strand, the complement: COL12A1 is on the minus strand). VCF-style: chr6-75109110-T-C. GRCh37 (hg19) VCF-style: chr6-75818826-T-C.
Other names: c.4516A>G, p.Ile1506Val (NM_080645.3); short protein forms I2670V, I1506V.
Identifiers: ClinVar variation 2072067 (VCV002072067.4), dbSNP rs2533144373, ClinGen allele CA364741678.
Genomic context (GRCh38, chr6:75,109,110, plus strand): 5'-TTCCAAGAATTTCATAACCATCAGTTGTTATATTTCCAGCTTCCTTGATGTCTTTTTCTA[T>C]AATTTCATAGCAGTCAATGTAAATCTTAACACTTTTTGAGGTCACTACAATATGAACCTA-3'
Protein context (NP_004361.3, residues 2660-2680): VKIYIDCYEI[Ile2670Val]EKDIKEAGNI